The following is an entry in ClinVar:

NM_030662.4(MAP2K2):c.529-138G>A

Gene: MAP2K2 (mitogen-activated protein kinase kinase 2; minus strand). Cytogenetic location: 19p13.3.
Variant type: single nucleotide variant.
Coding change: c.529-138G>A on transcript NM_030662.4 (MANE Select); 138 bases into the intron before coding-DNA position 529, G replaced by A.
Molecular consequence: intron variant.
Genome position (GRCh38, 1-based): chr19:4,101,418, C>T on the plus strand (G>A on the coding strand, the complement: MAP2K2 is on the minus strand). VCF-style: chr19-4101418-C-T. GRCh37 (hg19) VCF-style: chr19-4101416-C-T.
Identifiers: ClinVar variation 561435 (VCV000561435.2), dbSNP rs73536061, ClinGen allele CA14729994.

ClinVar aggregate classification (germline): Benign. Review status: criteria provided, multiple submitters, no conflicts (2 of 4 stars). 2 submissions from 2 submitters: Benign (2). Last evaluated 2018-06-14.

Allele frequency attached by ClinVar (database versions not stated): gnomAD 0.02735; 1000 Genomes Project 30x 0.03092; 1000 Genomes Project 0.03095; TOPMed 0.03140.
gnomAD v4.1: 6,817 of 949,624 alleles (0.72%); highest among the groups gnomAD compares: African/African-American, 9.3%; 298 homozygotes.

Submissions (2):

GeneDx
Classification: Benign. Last evaluated: 2018-06-14. Review status: criteria provided, single submitter. Criteria: GeneDx Variant Classification (06012015). Collection method: clinical testing. Allele origin: germline. Affected: yes.
Comment: This variant is considered likely benign or benign based on one or more of the following criteria: it is a conservative change, it occurs at a poorly conserved position in the protein, it is predicted to be benign by multiple in silico algorithms, and/or has population frequency not consistent with disease.

Breakthrough Genomics
Classification: Benign. Review status: criteria provided, single submitter. Criteria: ACMG Guidelines, 2015. Collection method: not provided. Allele origin: germline. Inheritance: Autosomal dominant inheritance. Affected: yes.